The following is an entry in ClinVar:

NM_021625.5(TRPV4):c.1104C>T (p.Asn368=)

Gene: TRPV4 (transient receptor potential cation channel subfamily V member 4; minus strand). Cytogenetic location: 12q24.11.
Variant type: single nucleotide variant.
Coding change: c.1104C>T on transcript NM_021625.5 (MANE Select); coding-DNA position 1104, C replaced by T.
Protein change: p.Asn368=; no amino-acid change (asparagine 368 retained).
Molecular consequence: synonymous variant.
Genome position (GRCh38, 1-based): chr12:109,798,662, G>A on the plus strand (C>T on the coding strand, the complement: TRPV4 is on the minus strand). VCF-style: chr12-109798662-G-A. GRCh37 (hg19) VCF-style: chr12-110236467-G-A.
Other names: c.1104C>T, p.Asn368= (NM_147204.3); c.963C>T, p.Asn321= (NM_001177428.2, NM_001177433.2); c.1002C>T, p.Asn334= (NM_001177431.2).
Identifiers: ClinVar variation 511984 (VCV000511984.43), dbSNP rs768593770, ClinGen allele CA6780352.

ClinVar aggregate classification (germline): Likely benign. Review status: criteria provided, multiple submitters, no conflicts (2 of 4 stars). 6 submissions from 6 submitters: Likely benign (6). Last evaluated 2026-06-01.

Conditions:
TRPV4-related disorder. Also called: TRPV4-related disorders; TRPV4-related condition.
Charcot-Marie-Tooth disease axonal type 2C (HMSN2C). Also called: CHARCOT-MARIE-TOOTH DISEASE, AXONAL, AUTOSOMAL DOMINANT, TYPE 2C; Charcot-Marie-Tooth Neuropathy Type 2C; Charcot-Marie-Tooth Disease Type 2, TRPV4-Related (CMT2C). Identifiers: Orphanet 99937, MedGen C1853710, MONDO:0011633, OMIM 606071.
Inborn genetic diseases. Identifiers: MedGen C0950123, MeSH D030342.

Allele frequency attached by ClinVar (database versions not stated): ExAC 0.00001; gnomAD exomes 0.00002 and 0.00004; gnomAD 0.00003; TOPMed 0.00006.
gnomAD v4.1: 63 of 1,613,228 alleles (0.0039%); highest among the groups gnomAD compares: Non-Finnish European, 0.0047%; no homozygotes.

Submissions (6):

CeGaT Center for Human Genetics Tuebingen
Classification: Likely benign. Last evaluated: 2026-06-01. Review status: criteria provided, single submitter. Criteria: CeGaT Center For Human Genetics Tuebingen Variant Classification Criteria Version 2. Collection method: clinical testing. Allele origin: germline. Affected: yes. Observed: 3 variant alleles.
Comment: TRPV4: BP4, BP7

PreventionGenetics, part of Exact Sciences
Classification: Likely benign for TRPV4-related condition. Last evaluated: 2025-09-16. Review status: criteria provided, single submitter. Criteria: ACMG Guidelines, 2015. Collection method: clinical testing. Allele origin: germline.
Comment: This variant is classified as likely benign based on ACMG/AMP sequence variant interpretation guidelines (Richards et al. 2015 PMID: 25741868, with internal and published modifications).

Labcorp Genetics (formerly Invitae), Labcorp
Classification: Likely benign for Charcot-Marie-Tooth disease axonal type 2C. Last evaluated: 2024-12-22. Review status: criteria provided, single submitter. Criteria: Invitae Variant Classification Sherloc (09022015). Collection method: clinical testing. Allele origin: germline.

Women's Health and Genetics/Laboratory Corporation of America, LabCorp
Classification: Likely benign. Last evaluated: 2023-08-22. Review status: criteria provided, single submitter. Criteria: LabCorp Variant Classification Summary - May 2015. Collection method: clinical testing. Allele origin: germline.

Ambry Genetics
Classification: Likely benign for Inborn genetic diseases. Last evaluated: 2019-07-11. Review status: criteria provided, single submitter. Criteria: Ambry Variant Classification Scheme 2023. Collection method: clinical testing. Allele origin: germline.

GeneDx
Classification: Likely benign. Last evaluated: 2018-09-12. Review status: criteria provided, single submitter. Criteria: GeneDx Variant Classification Process June 2021. Collection method: clinical testing. Allele origin: germline. Affected: yes.